The following is an entry in ClinVar:

NM_030962.4(SBF2):c.4171C>G (p.Gln1391Glu)

Genes: SBF2 (SET binding factor 2; minus strand), SBF2-AS1 (SBF2 antisense RNA 1; plus strand). Cytogenetic location: 11p15.4.
Variant type: single nucleotide variant.
Coding change: c.4171C>G on transcript NM_030962.4 (MANE Select); coding-DNA position 4171, C replaced by G.
Protein change: p.Gln1391Glu; replaces glutamine 1391 with glutamic acid.
Molecular consequence: missense variant. On other transcripts: non-coding transcript variant (1).
Genome position (GRCh38, 1-based): chr11:9,808,987, G>C on the plus strand (C>G on the coding strand, the complement: SBF2 is on the minus strand). VCF-style: chr11-9808987-G-C. GRCh37 (hg19) VCF-style: chr11-9830534-G-C.
Other names: c.4267C>G, p.Gln1423Glu (NM_001386339.1); c.4042C>G, p.Gln1348Glu (NM_001386342.1); short protein forms Q1423E, Q1348E, Q1391E.
Identifiers: ClinVar variation 1910370 (VCV001910370.5), dbSNP rs748224039, ClinGen allele CA5881029.

ClinVar aggregate classification (germline): Uncertain significance (1 of 4 stars; one submission).

Conditions:
Charcot-Marie-Tooth disease type 4. Also called: Charcot-Marie-Tooth disease, type IV; Charcot-Marie-Tooth, Type 4. Identifiers: Orphanet 64749, MedGen C4082197, MONDO:0018995.

Allele frequency attached by ClinVar (database versions not stated): gnomAD 0.00001; gnomAD exomes 0.00001; ExAC 0.00002.
gnomAD v4.1: 23 of 1,613,610 alleles (0.0014%); highest among the groups gnomAD compares: South Asian, 0.022%; no homozygotes.

Submission:

Labcorp Genetics (formerly Invitae), Labcorp
Classification: Uncertain significance for Charcot-Marie-Tooth disease type 4. Last evaluated: 2022-12-06. Review status: criteria provided, single submitter. Criteria: Invitae Variant Classification Sherloc (09022015). Collection method: clinical testing. Allele origin: germline.
Comment: In summary, the available evidence is currently insufficient to determine the role of this variant in disease. Therefore, it has been classified as a Variant of Uncertain Significance. Advanced modeling of protein sequence and biophysical properties (such as structural, functional, and spatial information, amino acid conservation, physicochemical variation, residue mobility, and thermodynamic stability) performed at Invitae indicates that this missense variant is not expected to disrupt SBF2 protein function. This variant has not been reported in the literature in individuals affected with SBF2-related conditions. This variant is present in population databases (rs748224039, gnomAD 0.02%). This sequence change replaces glutamine, which is neutral and polar, with glutamic acid, which is acidic and polar, at codon 1391 of the SBF2 protein (p.Gln1391Glu).